The following is an entry in ClinVar:

NM_001367624.2(ZNF469):c.2051G>A (p.Cys684Tyr)

Gene: ZNF469 (zinc finger protein 469; plus strand). Cytogenetic location: 16q24.2.
Variant type: single nucleotide variant.
Coding change: c.2051G>A on transcript NM_001367624.2 (MANE Select); coding-DNA position 2051, G replaced by A.
Protein change: p.Cys684Tyr; replaces cysteine 684 with tyrosine.
Molecular consequence: missense variant.
Genome position (GRCh38, 1-based): chr16:88,429,521, G>A. VCF-style: chr16-88429521-G-A. GRCh37 (hg19) VCF-style: chr16-88495929-G-A.
Other names: short protein forms C684Y.
Identifiers: ClinVar variation 4874239 (VCV004874239.2).

ClinVar aggregate classification (germline): Uncertain significance (1 of 4 stars; one submission).

gnomAD v4.1: 1 of 1,550,016 alleles (0.000065%); highest among the groups gnomAD compares: Non-Finnish European, 0.000087%; no homozygotes.

Submission:

CeGaT Center for Human Genetics Tuebingen
Classification: Uncertain significance. Last evaluated: 2026-06-01. Review status: criteria provided, single submitter. Criteria: CeGaT Center For Human Genetics Tuebingen Variant Classification Criteria Version 2. Collection method: clinical testing. Allele origin: germline. Affected: yes. Observed: 1 variant allele.
Comment: ZNF469: PM2